The following is an entry in ClinVar:

ClinVar aggregate classification (germline): Uncertain significance (1 of 4 stars; one submission).

Conditions:
PTPRJ-related disorder. Also called: PTPRJ-related condition.

Allele frequency attached by ClinVar (database versions not stated): ExAC 0.00001.
gnomAD v4.1: 4 of 1,612,462 alleles (0.00025%); highest among the groups gnomAD compares: Non-Finnish European, 0.00025%; no homozygotes.

Submission:

PreventionGenetics, part of Exact Sciences
Classification: Uncertain significance for PTPRJ-related condition. Last evaluated: 2022-12-09. Review status: criteria provided, single submitter. Criteria: ACMG Guidelines, 2015. Collection method: clinical testing. Allele origin: germline.
Comment: The PTPRJ c.1996A>G variant is predicted to result in the amino acid substitution p.Asn666Asp. To our knowledge, this variant has not been reported in the literature. This variant is reported in 0.00088% of alleles in individuals of European (Non-Finnish) descent in gnomAD. At this time, the clinical significance of this variant is uncertain due to the absence of conclusive functional and genetic evidence.

NM_002843.4(PTPRJ):c.1996A>G (p.Asn666Asp)

Gene: PTPRJ (protein tyrosine phosphatase receptor type J; plus strand). Cytogenetic location: 11p11.2.
Variant type: single nucleotide variant.
Coding change: c.1996A>G on transcript NM_002843.4 (MANE Select); coding-DNA position 1996, A replaced by G.
Protein change: p.Asn666Asp; replaces asparagine 666 with aspartic acid.
Molecular consequence: missense variant.
Genome position (GRCh38, 1-based): chr11:48,137,125, A>G. VCF-style: chr11-48137125-A-G. GRCh37 (hg19) VCF-style: chr11-48158677-A-G.
Other names: short protein forms N666D.
Identifiers: ClinVar variation 2635083 (VCV002635083.1), dbSNP rs750413569, ClinGen allele CA5982316.